The following is an entry in ClinVar:

NM_000535.7(PMS2):c.1929G>T (p.Gln643His)

Gene: PMS2 (PMS1 homolog 2, mismatch repair system component; minus strand). Cytogenetic location: 7p22.1.
Variant type: single nucleotide variant.
Coding change: c.1929G>T on transcript NM_000535.7 (MANE Select); coding-DNA position 1929, G replaced by T.
Protein change: p.Gln643His; replaces glutamine 643 with histidine.
Molecular consequence: missense variant. On other transcripts: non-coding transcript variant (1).
Genome position (GRCh38, 1-based): chr7:5,986,836, C>A on the plus strand (G>T on the coding strand, the complement: PMS2 is on the minus strand). VCF-style: chr7-5986836-C-A. GRCh37 (hg19) VCF-style: chr7-6026467-C-A.
Other names: c.1524G>T, p.Gln508His (NM_001322003.2, NM_001322004.2, NM_001322005.2 and 1 more transcripts); c.1773G>T, p.Gln591His (NM_001322006.2); c.1611G>T, p.Gln537His (NM_001322007.2, NM_001322008.2); c.1368G>T, p.Gln456His (NM_001322010.2); c.996G>T, p.Gln332His (NM_001322011.2, NM_001322012.2); c.1356G>T, p.Gln452His (NM_001322013.2); c.1929G>T, p.Gln643His (NM_001322014.2); c.1620G>T, p.Gln540His (NM_001322015.2); short protein forms Q643H, Q508H, Q537H, Q452H, Q591H, Q456H, Q540H, Q332H.
Identifiers: ClinVar variation 186985 (VCV000186985.19), dbSNP rs786203379, ClinGen allele CA010468.
Genomic context (GRCh38, chr7:5,986,836, plus strand): 5'-TTCATCTTCGGCTGCTTGATTTTCTCCAGGACAAATCTTTGCCCTAAACTTCCTGTAATT[C>A]TGTTCCCCTTCACTTTGCTGTGCTTCATGATGTAACTGCTTTATTCGTTTAGCTAAAGAA-3'
Protein context (NP_000526.2, residues 633-653): HHEAQQSEGE[Gln643His]NYRKFRAKIC

ClinVar aggregate classification (germline): Conflicting classifications of pathogenicity. Review status: criteria provided, conflicting classifications (1 of 4 stars). 6 submissions from 6 submitters: Uncertain significance (4); Likely benign (2). Last evaluated 2025-03-01.

Conditions:
Hereditary nonpolyposis colorectal neoplasms. Identifiers: MedGen C0009405, MeSH D003123.
Hereditary cancer-predisposing syndrome. Also called: Neoplastic Syndromes, Hereditary; Tumor predisposition; Hereditary Cancer Syndrome; Hereditary neoplastic syndrome. Identifiers: Orphanet 140162, MedGen C0027672, MeSH D009386, MONDO:0015356.
Lynch syndrome 4 (LYNCH4). Also called: Colorectal cancer, hereditary nonpolyposis, type 4; Hereditary non-polyposis colorectal cancer, type 4. Identifiers: Orphanet 144, MedGen C1838333, MONDO:0013699, OMIM 614337. Disease mechanism: loss of function.

Allele frequency attached by ClinVar (database versions not stated): gnomAD 0.00001; gnomAD exomes 0.00001; TOPMed 0.00001.
gnomAD v4.1: 6 of 1,613,644 alleles (0.00037%); highest among the groups gnomAD compares: African/African-American, 0.0013%; no homozygotes.

Submissions (6):

Ambry Genetics
Classification: Likely benign for Hereditary cancer-predisposing syndrome. Last evaluated: 2025-03-01. Review status: criteria provided, single submitter. Criteria: Ambry Variant Classification Scheme 2023. Collection method: clinical testing. Allele origin: germline.

Myriad Genetics, Inc.
Classification: Likely benign for Lynch syndrome 4. Last evaluated: 2025-01-31. Review status: criteria provided, single submitter. Criteria: Myriad Autosomal Dominant, Autosomal Recessive and X-Linked Classification Criteria (2023). Collection method: clinical testing. Allele origin: unknown.
Comment: This variant is considered likely benign. This variant has been observed in trans with a known pathogenic variant in one or more individuals lacking clinical features consistent with gene-specific recessive disease.

Color Diagnostics, LLC DBA Color Health
Classification: Uncertain significance for Hereditary cancer-predisposing syndrome. Last evaluated: 2024-05-31. Review status: criteria provided, single submitter. Criteria: ACMG Guidelines, 2015. Collection method: clinical testing. Allele origin: germline.
Comment: This missense variant replaces glutamine with histidine at codon 643 of the PMS2 protein. Computational prediction suggests that this variant may not impact protein structure and function (internally defined REVEL score threshold <= 0.5, PMID: 27666373). To our knowledge, functional studies have not been reported for this variant. This variant has not been reported in individuals affected with PMS2-related disorders in the literature. This variant has been identified in 1/31396 chromosomes in the general population by the Genome Aggregation Database (gnomAD). The available evidence is insufficient to determine the role of this variant in disease conclusively. Therefore, this variant is classified as a Variant of Uncertain Significance.

Labcorp Genetics (formerly Invitae), Labcorp
Classification: Uncertain significance for Hereditary nonpolyposis colorectal neoplasms. Last evaluated: 2024-04-22. Review status: criteria provided, single submitter. Criteria: Invitae Variant Classification Sherloc (09022015). Collection method: clinical testing. Allele origin: germline.
Comment: This sequence change replaces glutamine, which is neutral and polar, with histidine, which is basic and polar, at codon 643 of the PMS2 protein (p.Gln643His). This variant is present in population databases (rs786203379, gnomAD 0.01%). This variant has not been reported in the literature in individuals affected with PMS2-related conditions. ClinVar contains an entry for this variant (Variation ID: 186985). Advanced modeling of protein sequence and biophysical properties (such as structural, functional, and spatial information, amino acid conservation, physicochemical variation, residue mobility, and thermodynamic stability) performed at Invitae indicates that this missense variant is not expected to disrupt PMS2 protein function with a negative predictive value of 95%. In summary, the available evidence is currently insufficient to determine the role of this variant in disease. Therefore, it has been classified as a Variant of Uncertain Significance.

Baylor Genetics
Classification: Uncertain significance for Lynch syndrome 4. Last evaluated: 2024-02-01. Review status: criteria provided, single submitter. Criteria: ACMG Guidelines, 2015. Collection method: clinical testing. Allele origin: unknown.

GeneDx
Classification: Uncertain significance. Last evaluated: 2021-10-07. Review status: criteria provided, single submitter. Criteria: GeneDx Variant Classification Process June 2021. Collection method: clinical testing. Allele origin: germline. Affected: yes.
Comment: Not observed at significant frequency in large population cohorts (Lek et al., 2016); In silico analysis supports that this missense variant does not alter protein structure/function; Has not been previously published as pathogenic or benign to our knowledge; This variant is associated with the following publications: (PMID: 11292842)